The following is an entry in ClinVar:

ClinVar aggregate classification (germline): Uncertain significance (1 of 4 stars; one submission).

Submission:

Labcorp Genetics (formerly Invitae), Labcorp
Classification: Uncertain significance. Last evaluated: 2024-07-17. Review status: criteria provided, single submitter. Criteria: Invitae Variant Classification Sherloc (09022015). Collection method: clinical testing. Allele origin: germline.
Comment: This sequence change replaces proline, which is neutral and non-polar, with histidine, which is basic and polar, at codon 357 of the SCNN1B protein (p.Pro357His). This variant is not present in population databases (gnomAD no frequency). This variant has not been reported in the literature in individuals affected with SCNN1B-related conditions. Advanced modeling of protein sequence and biophysical properties (such as structural, functional, and spatial information, amino acid conservation, physicochemical variation, residue mobility, and thermodynamic stability) performed at Invitae indicates that this missense variant is not expected to disrupt SCNN1B protein function with a negative predictive value of 80%. In summary, the available evidence is currently insufficient to determine the role of this variant in disease. Therefore, it has been classified as a Variant of Uncertain Significance.

NM_000336.3(SCNN1B):c.1070C>A (p.Pro357His)

Gene: SCNN1B (sodium channel epithelial 1 subunit beta; plus strand). Cytogenetic location: 16p12.2.
Variant type: single nucleotide variant.
Coding change: c.1070C>A on transcript NM_000336.3 (MANE Select); coding-DNA position 1070, C replaced by A.
Protein change: p.Pro357His; replaces proline 357 with histidine.
Molecular consequence: missense variant. On other transcripts: intron variant (1).
Genome position (GRCh38, 1-based): chr16:23,371,801, C>A. VCF-style: chr16-23371801-C-A. GRCh37 (hg19) VCF-style: chr16-23383122-C-A.
Other names: c.1044+339C>A (NM_001410900.1); short protein forms P357H.
Identifiers: ClinVar variation 3687862 (VCV003687862.2).